The following is an entry in ClinVar:

NM_001267550.2(TTN):c.39300C>T (p.Phe13100=)

Gene: TTN (titin; minus strand). Cytogenetic location: 2q31.2.
Variant type: single nucleotide variant.
Coding change: c.39300C>T on transcript NM_001267550.2 (MANE Select); coding-DNA position 39300, C replaced by T.
Protein change: p.Phe13100=; no amino-acid change (phenylalanine 13100 retained).
Molecular consequence: synonymous variant. On other transcripts: intron variant (3).
Genome position (GRCh38, 1-based): chr2:178,651,963, G>A on the plus strand (C>T on the coding strand, the complement: TTN is on the minus strand). VCF-style: chr2-178651963-G-A. GRCh37 (hg19) VCF-style: chr2-179516690-G-A.
Other names: c.31998C>T, p.Phe10666= (NM_133378.4); c.34779C>T, p.Phe11593= (NM_001256850.1); c.13283-9646C>T (NM_003319.4); c.13859-9646C>T (NM_133437.4); c.13658-9646C>T (NM_133432.3).
Identifiers: ClinVar variation 179291 (VCV000179291.14), dbSNP rs569579388, ClinGen allele CA184133.

ClinVar aggregate classification (germline): Likely benign. Review status: criteria provided, multiple submitters, no conflicts (2 of 4 stars). 3 submissions from 3 submitters: Likely benign (3). Last evaluated 2022-10-17.

Conditions:
Autosomal recessive limb-girdle muscular dystrophy type 2J (LGMDR10). Also called: Limb-girdle muscular dystrophy, type 2J; MUSCULAR DYSTROPHY, LIMB-GIRDLE, AUTOSOMAL RECESSIVE 10. Identifiers: Orphanet 140922, MedGen C1837342, MONDO:0012127, OMIM 608807.
Dilated cardiomyopathy 1G (CMD1G). Identifiers: Orphanet 154, MedGen C1858763, MONDO:0011400, OMIM 604145.

Allele frequency attached by ClinVar (database versions not stated): gnomAD 0.00001; gnomAD exomes 0.00001; ExAC 0.00002; 1000 Genomes Project 30x 0.00031; 1000 Genomes Project 0.00040.
gnomAD v4.1: 10 of 1,610,192 alleles (0.00062%); highest among the groups gnomAD compares: South Asian, 0.0022%; no homozygotes.

Submissions (3):

Labcorp Genetics (formerly Invitae), Labcorp
Classification: Likely benign for Dilated cardiomyopathy 1G; Autosomal recessive limb-girdle muscular dystrophy type 2J. Last evaluated: 2022-10-17. Review status: criteria provided, single submitter. Criteria: Invitae Variant Classification Sherloc (09022015). Collection method: clinical testing. Allele origin: germline.

Blueprint Genetics
Classification: Likely benign. Last evaluated: 2020-08-25. Review status: criteria provided, single submitter. Criteria: ACMG Guidelines, 2015. Collection method: clinical testing. Allele origin: germline.

Laboratory for Molecular Medicine, Mass General Brigham Personalized Medicine
Classification: Likely benign. Last evaluated: 2013-09-27. Review status: criteria provided, single submitter. Criteria: LMM Criteria. Collection method: clinical testing. Allele origin: germline. Observed: 1 variant allele.
Comment: Phe10666Phe in exon 159 of TTN: This variant is not expected to have clinical si gnificance because it does not alter an amino acid residue and is not located wi thin the splice consensus sequence. Phe10666Phe in exon 159 of TTN (allele fre quency = N/A)